The following is an entry in ClinVar:

NM_001162501.2(TNRC6B):c.3182C>G (p.Pro1061Arg)

Gene: TNRC6B (trinucleotide repeat containing adaptor 6B; plus strand). Cytogenetic location: 22q13.1.
Variant type: single nucleotide variant.
Coding change: c.3182C>G on transcript NM_001162501.2 (MANE Select); coding-DNA position 3182, C replaced by G.
Protein change: p.Pro1061Arg; replaces proline 1061 with arginine.
Molecular consequence: missense variant.
Genome position (GRCh38, 1-based): chr22:40,277,117, C>G. VCF-style: chr22-40277117-C-G. GRCh37 (hg19) VCF-style: chr22-40673121-C-G.
Other names: c.941C>G, p.Pro314Arg (NM_001024843.2); c.3023C>G, p.Pro1008Arg (NM_015088.3); short protein forms P1061R, P1008R, P314R.
Identifiers: ClinVar variation 1463556 (VCV001463556.8), dbSNP rs1460744658, ClinGen allele CA411648366.

ClinVar aggregate classification (germline): Uncertain significance (1 of 4 stars; one submission).

Allele frequency attached by ClinVar (database versions not stated): TOPMed below 0.00001; gnomAD 0.00001.
gnomAD v4.1: 1 of 1,607,744 alleles (0.000062%); highest among the groups gnomAD compares: Non-Finnish European, 0.000085%; no homozygotes.

Submission:

Labcorp Genetics (formerly Invitae), Labcorp
Classification: Uncertain significance. Last evaluated: 2021-01-07. Review status: criteria provided, single submitter. Criteria: Invitae Variant Classification Sherloc (09022015). Collection method: clinical testing. Allele origin: germline.
Comment: In summary, the available evidence is currently insufficient to determine the role of this variant in disease. Therefore, it has been classified as a Variant of Uncertain Significance. Algorithms developed to predict the effect of missense changes on protein structure and function are either unavailable or do not agree on the potential impact of this missense change (SIFT: "Deleterious"; PolyPhen-2: "Probably Damaging"; Align-GVGD: "Class C0"). This variant has not been reported in the literature in individuals with TNRC6B-related conditions. This variant is not present in population databases (ExAC no frequency). This sequence change replaces proline with arginine at codon 1061 of the TNRC6B protein (p.Pro1061Arg). The proline residue is highly conserved and there is a moderate physicochemical difference between proline and arginine.